The following is an entry in ClinVar:

ClinVar aggregate classification (germline): Uncertain significance (1 of 4 stars; one submission).

Conditions:
Hereditary attention deficit-hyperactivity disorder. Also called: HYPERACTIVITY OF CHILDHOOD. Identifiers: MedGen CN324066, MONDO:0100518, OMIM 143465.

Submission:

Clinical Genomics, Uppaluri K&H Personalized Medicine Clinic
Classification: Uncertain significance for Hereditary attention deficit-hyperactivity disorder. Review status: criteria provided, single submitter. Criteria: K &amp; H Uppaluri Personalized Medicine Clinic Variant Classification &amp; Assertion Criteria_Updated V.1. Collection method: clinical testing. Allele origin: germline. Inheritance: Autosomal dominant inheritance. Affected: yes. Observed: 1 heterozygote.
Comment: Potent mutations in Dopamine receptor uptake gene leads to decreased brain uptake of neuromodulator dopamine and are strongly associated with onset of Attention deficit hyperactivity disorder. However more evidence is required to confer the association of this particular rs749976218 with Attention deficit hyperactivity disorder.

Literature cited by the submitters: PubMed 20644990; PubMed 36211978; PubMed 10654656; PubMed 30099719; PubMed 25262643; PubMed 29781347.

NM_000797.4(DRD4):c.815G>A (p.Gly272Asp)

Gene: DRD4 (dopamine receptor D4; plus strand). Cytogenetic location: 11p15.5.
Variant type: single nucleotide variant.
Coding change: c.815G>A on transcript NM_000797.4 (MANE Select); coding-DNA position 815, G replaced by A.
Protein change: p.Gly272Asp; replaces glycine 272 with aspartic acid.
Molecular consequence: missense variant.
Genome position (GRCh38, 1-based): chr11:640,064, G>A. VCF-style: chr11-640064-G-A. GRCh37 (hg19) VCF-style: chr11-640064-G-A.
Other names: short protein forms G272D.
Identifiers: ClinVar variation 2507414 (VCV002507414.1), dbSNP rs749976218, ClinGen allele CA5785826.